The following is an entry in ClinVar:

ClinVar aggregate classification (germline): Pathogenic (1 of 4 stars; one submission).

Conditions:
Congenital muscular hypertrophy-cerebral syndrome (CDLS2). Also called: Cornelia de Lange syndrome 2; SMC1A-Related Cornelia de Lange Syndrome. Identifiers: Orphanet 199, MedGen C1802395, MONDO:0010370, OMIM 300590.

Submission:

Labcorp Genetics (formerly Invitae), Labcorp
Classification: Pathogenic for Congenital muscular hypertrophy-cerebral syndrome. Last evaluated: 2022-12-02. Review status: criteria provided, single submitter. Criteria: Invitae Variant Classification Sherloc (09022015). Collection method: clinical testing. Allele origin: germline.
Comment: This variant has not been reported in the literature in individuals affected with SMC1A-related conditions. This variant is not present in population databases (gnomAD no frequency). This sequence change creates a premature translational stop signal (p.Leu319Alafs*11) in the SMC1A gene. It is expected to result in an absent or disrupted protein product. Loss-of-function variants in SMC1A are known to be pathogenic (PMID: 26386245, 27334371, 28166369, 28548707, 31334757). For these reasons, this variant has been classified as Pathogenic.

Literature cited by the submitters: PubMed 26386245; PubMed 27334371; PubMed 28166369; PubMed 28548707; PubMed 31334757.

NM_006306.4(SMC1A):c.955_956del (p.Leu319fs)

Gene: SMC1A (structural maintenance of chromosomes 1A; minus strand). Cytogenetic location: Xp11.22.
Variant type: Microsatellite.
Coding change: c.955_956del on transcript NM_006306.4 (MANE Select); coding-DNA positions 955 to 956, 2 bases deleted (CT; older notation c.955_956delCT).
Protein change: p.Leu319fs; shifts the reading frame from leucine 319.
Molecular consequence: frameshift variant.
Genome position (GRCh38, 1-based): chrX:53,412,152-53,412,153, AG deleted on the plus strand (CT on the coding strand, the reverse complement: SMC1A is on the minus strand); deleting any 2 consecutive bases within chrX:53,412,152-53,412,156 gives the same sequence; the c. name uses the placement nearest the transcript's 3' end. VCF-style (leftmost placement, unchanged base first): chrX-53412151-CAG-C. GRCh37 (hg19) VCF-style: chrX-53439101-CAG-C.
Other names: c.889_890del, p.Leu297fs (NM_001281463.1); short protein forms L297fs, L319fs.
Identifiers: ClinVar variation 2817976 (VCV002817976.3), dbSNP rs2520957861, ClinGen allele CA2739273514.
Genomic context (GRCh38, chrX:53,412,151, plus strand): 5'-CTCCTTCTCCAGCTCATCCATGTCACCTTTACGCTTCTTGTAGTGCTTCTGAGCATTCTG[CAG>C]AGACTTCTTGGCTGCTTCCAGCTTCTTGATTTTGTGGGAGGTGTTCTCCTTGGCTTTGAT-3'